The following is an entry in ClinVar:

NM_004329.3(BMPR1A):c.216dup (p.Asn73Ter)

Gene: BMPR1A (bone morphogenetic protein receptor type 1A; plus strand). Cytogenetic location: 10q23.2.
Variant type: Duplication.
Coding change: c.216dup on transcript NM_004329.3 (MANE Select); coding-DNA position 216, one base duplicated (T; older notation c.216dupT).
Protein change: p.Asn73Ter; replaces asparagine 73 with a stop codon.
Molecular consequence: nonsense.
Genome position (GRCh38, 1-based): chr10:86,890,210, T duplicated; the last of 2 consecutive T bases (chr10:86,890,209-86,890,210); duplicating either gives the same sequence. VCF-style (leftmost placement, unchanged base first): chr10-86890208-A-AT. GRCh37 (hg19) VCF-style: chr10-88649965-A-AT.
Other names: c.216dupT (NM_004329.2); short protein forms N73*.
Identifiers: ClinVar variation 184498 (VCV000184498.8), dbSNP rs786201501, ClinGen allele CA189133.
Genomic context (GRCh38, chr10:86,890,208, plus strand): 5'-CCAGAGGATACCTTGCCTTTTTTAAAGTGCTATTGCTCAGGGCACTGTCCAGATGATGCT[A>AT]TTAATAACACATGCATGTAAGTATTTTATGCAGCCCTTCTTAAGAGTTAGGAGAATAGAG-3'

ClinVar aggregate classification (germline): Pathogenic. Review status: criteria provided, multiple submitters, no conflicts (2 of 4 stars). 3 submissions from 3 submitters: Pathogenic (3). Last evaluated 2025-03-07.

Conditions:
Juvenile polyposis syndrome (JPS). Identifiers: Orphanet 2929, MedGen C0345893, MONDO:0017380, OMIM 174900.
Hereditary cancer-predisposing syndrome. Also called: Tumor predisposition; Hereditary Cancer Syndrome; Hereditary neoplastic syndrome; Neoplastic Syndromes, Hereditary. Identifiers: Orphanet 140162, MedGen C0027672, MeSH D009386, MONDO:0015356.

Submissions (3):

Labcorp Genetics (formerly Invitae), Labcorp
Classification: Pathogenic for Juvenile polyposis syndrome. Last evaluated: 2025-03-07. Review status: criteria provided, single submitter. Criteria: Invitae Variant Classification Sherloc (09022015). Collection method: clinical testing. Allele origin: germline.
Comment: This sequence change creates a premature translational stop signal (p.Asn73*) in the BMPR1A gene. It is expected to result in an absent or disrupted protein product. Loss-of-function variants in BMPR1A are known to be pathogenic (PMID: 11536076, 12417513). This variant is not present in population databases (gnomAD no frequency). This variant has not been reported in the literature in individuals affected with BMPR1A-related conditions. ClinVar contains an entry for this variant (Variation ID: 184498). RNA analysis performed to evaluate the impact of this premature translational stop signal on mRNA splicing indicates it does not significantly alter splicing (internal data). For these reasons, this variant has been classified as Pathogenic.

Myriad Genetics, Inc.
Classification: Pathogenic for Juvenile polyposis syndrome. Last evaluated: 2023-05-25. Review status: criteria provided, single submitter. Criteria: Myriad Autosomal Dominant, Autosomal Recessive and X-Linked Classification Criteria (2023). Collection method: clinical testing. Allele origin: unknown.
Comment: This variant is considered pathogenic. This variant creates a termination codon and is predicted to result in premature protein truncation.

Ambry Genetics
Classification: Pathogenic for Hereditary cancer-predisposing syndrome. Last evaluated: 2017-05-08. Review status: criteria provided, single submitter. Criteria: Ambry Variant Classification Scheme 2023. Collection method: clinical testing. Allele origin: germline.
Comment: The c.216dupT pathogenic mutation, located in coding exon 2 of the BMPR1A gene, results from a duplication of T at nucleotide position 216, causing a translational frameshift with a predicted alternate stop codon (p.N73*). This alteration is expected to result in loss of function by premature protein truncation or nonsense-mediated mRNA decay. As such, this alteration is interpreted as a disease-causing mutation.

Literature cited by the submitters: PubMed 11536076 (cited by Labcorp Genetics (formerly Invitae), Labcorp); PubMed 12417513 (cited by Labcorp Genetics (formerly Invitae), Labcorp).